The following is an entry in ClinVar:

ClinVar aggregate classification (germline): Uncertain significance (1 of 4 stars; one submission).

Conditions:
Fanconi anemia complementation group O. Also called: RAD51C-Related Fanconi Anemia. Identifiers: Orphanet 84, MedGen C3150653, MONDO:0013248, OMIM 613390.

Submission:

Labcorp Genetics (formerly Invitae), Labcorp
Classification: Uncertain significance for Fanconi anemia complementation group O. Last evaluated: 2022-10-03. Review status: criteria provided, single submitter. Criteria: Invitae Variant Classification Sherloc (09022015). Collection method: clinical testing. Allele origin: germline.
Comment: This variant results in a copy number gain of the genomic region encompassing exon(s) 1-3 of the RAD51C gene. This region includes the initiator codon of the gene. This copy number gain extends beyond the assayed region for this gene and therefore may encompass additional genes. As the precise location of this event is unknown, it may be in tandem or it may be located elsewhere in the genome. This variant has not been reported in the literature in individuals affected with RAD51C-related conditions. In summary, the available evidence is currently insufficient to determine the role of this variant in disease. Therefore, it has been classified as a Variant of Uncertain Significance.

NC_000017.11:g.(?_58692625)_(58696869_?)dup

Gene: RAD51C (RAD51 paralog C; plus strand). Cytogenetic location: 17q22.
Variant type: Duplication.
Identifiers: ClinVar variation 831301 (VCV000831301.3).